The following is an entry in ClinVar:

NM_001876.4(CPT1A):c.407T>C (p.Met136Thr)

Gene: CPT1A (carnitine palmitoyltransferase 1A; minus strand). Cytogenetic location: 11q13.3.
Variant type: single nucleotide variant.
Coding change: c.407T>C on transcript NM_001876.4 (MANE Select); coding-DNA position 407, T replaced by C.
Protein change: p.Met136Thr; replaces methionine 136 with threonine.
Molecular consequence: missense variant.
Genome position (GRCh38, 1-based): chr11:68,807,513, A>G on the plus strand (T>C on the coding strand, the complement: CPT1A is on the minus strand). VCF-style: chr11-68807513-A-G. GRCh37 (hg19) VCF-style: chr11-68574981-A-G.
Other names: c.407T>C (NM_001876.3); c.407T>C, p.Met136Thr (NM_001031847.3); short protein forms M136T.
Identifiers: ClinVar variation 618586 (VCV000618586.9), dbSNP rs1205599161, ClinGen allele CA381636643.

ClinVar aggregate classification (germline): Uncertain significance. Review status: criteria provided, multiple submitters, no conflicts (2 of 4 stars). 2 submissions from 2 submitters: Uncertain significance (2). Last evaluated 2025-06-24.

Conditions:
Inborn genetic diseases. Identifiers: MedGen C0950123, MeSH D030342.

Allele frequency attached by ClinVar (database versions not stated): gnomAD exomes below 0.00001; gnomAD 0.00001.

Submissions (2):

Ambry Genetics
Classification: Uncertain significance for Inborn genetic diseases. Last evaluated: 2025-06-24. Review status: criteria provided, single submitter. Criteria: Ambry Variant Classification Scheme 2023. Collection method: clinical testing. Allele origin: germline.

ARUP Laboratories, Molecular Genetics and Genomics, ARUP Laboratories
Classification: Uncertain significance. Last evaluated: 2017-08-14. Review status: criteria provided, single submitter. Criteria: ARUP Molecular Germline Variant Investigation Process. Collection method: clinical testing. Allele origin: germline.
Comment: The p.Met136Thr variant has not been reported in the medical literature, is not listed in gene-specific variant databases, nor has it been previously identified in our laboratory. It is listed in the Genome Aggregation Database (gnomAD) browser with a frequency in African populations of 0.01% (identified in 1 out of 8,728 chromosomes). The methionine at codon 136 is moderately conserved considering 13 species (Alamut software v2.9), and computational analyses return mixed results regarding the effect of this variant on CPT1A protein structure/function (SIFT: tolerated, PolyPhen2: possibly damaging, and Mutation Taster: disease causing). Thus, based on the available information, the clinical significance of the p.Met136Thr variant cannot be determined with certainty.